The following is an entry in ClinVar:

ClinVar aggregate classification (germline): Likely benign (0 of 4 stars; one submission).

Conditions:
ITGA6-related disorder. Also called: ITGA6-related condition.

Submission:

PreventionGenetics, part of Exact Sciences
Classification: Likely benign for ITGA6-related condition. Last evaluated: 2019-10-30. Review status: no assertion criteria provided. Collection method: clinical testing. Allele origin: germline.
Comment: This variant is classified as likely benign based on ACMG/AMP sequence variant interpretation guidelines (Richards et al. 2015 PMID: 25741868, with internal and published modifications).

NM_000210.4(ITGA6):c.2679+6T>G

Genes: ITGA6 (integrin subunit alpha 6; plus strand), PDK1-AS1 (PDK1 and ITGA6 antisense RNA 1; minus strand). Cytogenetic location: 2q31.1.
Variant type: single nucleotide variant.
Coding change: c.2679+6T>G on transcript NM_000210.4 (MANE Select); 6 bases into the intron after coding-DNA position 2679, T replaced by G.
Molecular consequence: intron variant.
Genome position (GRCh38, 1-based): chr2:172,489,664, T>G. VCF-style: chr2-172489664-T-G. GRCh37 (hg19) VCF-style: chr2-173354392-T-G.
Other names: c.2322+6T>G (NM_001316306.2); c.2796+6T>G (NM_001394928.1); c.2679+6T>G (NM_001079818.3); c.2634+51T>G (NM_001365530.2, NM_001365529.2).
Identifiers: ClinVar variation 3033432 (VCV003033432.2), dbSNP rs2468390180, ClinGen allele CA2577159423.